The following is an entry in ClinVar:

ClinVar aggregate classification (germline): Pathogenic (1 of 4 stars; one submission).

Conditions:
Brunet-Wagner neurodevelopmental syndrome (BRUWAG). Identifiers: MedGen C5562056, MONDO:0859217, OMIM 619690.

Submission:

3billion
Classification: Pathogenic for Brunet-Wagner neurodevelopmental syndrome. Last evaluated: 2025-07-22. Review status: criteria provided, single submitter. Criteria: ACMG Guidelines, 2015. Collection method: clinical testing. Allele origin: germline. Affected: yes.
Comment: The variant is observed at an extremely low frequency in the gnomAD v4.1.0 dataset (total allele frequency: <0.001%). Predicted Consequence/Location: Canonical splice site: predicted to alter splicing and result in a loss or disruption of normal protein function. Multiple pathogenic loss-of-function variants are reported downstream of the variant. In silico tools predict the variant to alter splicing and produce an abnormal transcript [SpliceAI: 0.99 (spliceogenicity >=0.2, non-spliceogenicity <0.1)]. Therefore, this variant is classified as Pathogenic according to the recommendation of ACMG/AMP guideline.

NM_005611.4(RBL2):c.3085-2_3086del

Gene: RBL2 (RB transcriptional corepressor like 2; plus strand). Cytogenetic location: 16q12.2.
Variant type: Deletion.
Coding change: c.3085-2_3086del on transcript NM_005611.4 (MANE Select); the canonical splice acceptor site of the intron before coding-DNA position 3085 through coding-DNA position 3086, 4 bases deleted (AGAT; older notation c.3085-2_3086delAGAT).
Molecular consequence: splice acceptor variant.
Genome position (GRCh38, 1-based): chr16:53,481,669-53,481,672, AGAT deleted. VCF-style (leftmost placement, unchanged base first): chr16-53481668-CAGAT-C. GRCh37 (hg19) VCF-style: chr16-53515580-CAGAT-C.
Other names: c.3085-2_3086del (NM_001323608.2); c.3013-2_3014del (NM_001323609.2); c.2938-2_2939del (NM_001323610.2); c.2863-2_2864del (NM_001323611.1).
Identifiers: ClinVar variation 4855817 (VCV004855817.1).